The following is an entry in ClinVar:

NM_000302.4(PLOD1):c.1211T>C (p.Ile404Thr)

Gene: PLOD1 (procollagen-lysine,2-oxoglutarate 5-dioxygenase 1; plus strand). Cytogenetic location: 1p36.22.
Variant type: single nucleotide variant.
Coding change: c.1211T>C on transcript NM_000302.4 (MANE Select); coding-DNA position 1211, T replaced by C.
Protein change: p.Ile404Thr; replaces isoleucine 404 with threonine.
Molecular consequence: missense variant.
Genome position (GRCh38, 1-based): chr1:11,964,183, T>C. VCF-style: chr1-11964183-T-C. GRCh37 (hg19) VCF-style: chr1-12024240-T-C.
Other names: c.1352T>C, p.Ile451Thr (NM_001316320.2); short protein forms I404T, I451T.
Identifiers: ClinVar variation 4862063 (VCV004862063.1).
Genomic context (GRCh38, chr1:11,964,183, plus strand): 5'-CTCCTACTCCCAGTGGGCAGCGACCTCCTACTGAGGTGCTCCCTTCCCTCAGGAACGTCA[T>C]TGCCCCGCTGATGACCCGGCATGGGAGGCTGTGGTCGAACTTCTGGGGGGCTCTCAGTGC-3'
Protein context (NP_000293.2, residues 394-414): RLLIQQNKNV[Ile404Thr]APLMTRHGRL

ClinVar aggregate classification (germline): Uncertain significance (1 of 4 stars; one submission).

Conditions:
Familial thoracic aortic aneurysm and aortic dissection (TAAD). Also called: Thoracic aortic aneurysms and dissections. Identifiers: Orphanet 91387, MedGen C4707243, MONDO:0019625.

Submission:

Ambry Genetics
Classification: Uncertain significance for Familial thoracic aortic aneurysm and aortic dissection. Last evaluated: 2026-04-12. Review status: criteria provided, single submitter. Criteria: Ambry Variant Classification Scheme 2023. Collection method: clinical testing. Allele origin: germline.
Comment: The p.I404T variant (also known as c.1211T>C), located in coding exon 12 of the PLOD1 gene, results from a T to C substitution at nucleotide position 1211. The isoleucine at codon 404 is replaced by threonine, an amino acid with similar properties. This amino acid position is conserved. In addition, this alteration is predicted to be deleterious by in silico analysis. Based on the available evidence, the clinical significance of this variant remains unclear.